The following is an entry in ClinVar:

NM_014014.5(SNRNP200):c.2609T>C (p.Ile870Thr)

Gene: SNRNP200 (small nuclear ribonucleoprotein U5 subunit 200; minus strand). Cytogenetic location: 2q11.2.
Variant type: single nucleotide variant.
Coding change: c.2609T>C on transcript NM_014014.5 (MANE Select); coding-DNA position 2609, T replaced by C.
Protein change: p.Ile870Thr; replaces isoleucine 870 with threonine.
Molecular consequence: missense variant.
Genome position (GRCh38, 1-based): chr2:96,290,459, A>G on the plus strand (T>C on the coding strand, the complement: SNRNP200 is on the minus strand). VCF-style: chr2-96290459-A-G. GRCh37 (hg19) VCF-style: chr2-96956197-A-G.
Other names: c.2609T>C (NM_014014.4); short protein forms I870T.
Identifiers: ClinVar variation 1060928 (VCV001060928.11), dbSNP rs998496340, ClinGen allele CA52398364.

ClinVar aggregate classification (germline): Uncertain significance. Review status: criteria provided, multiple submitters, no conflicts (2 of 4 stars). 3 submissions from 3 submitters: Uncertain significance (3). Last evaluated 2024-07-30.

Conditions:
Inborn genetic diseases. Identifiers: MedGen C0950123, MeSH D030342.

Allele frequency attached by ClinVar (database versions not stated): gnomAD exomes below 0.00001; gnomAD 0.00001; TOPMed 0.00001.
gnomAD v4.1: 2 of 1,614,068 alleles (0.00012%); highest among the groups gnomAD compares: African/African-American, 0.0013%; no homozygotes.

Submissions (3):

Ambry Genetics
Classification: Uncertain significance for Inborn genetic diseases. Last evaluated: 2024-07-30. Review status: criteria provided, single submitter. Criteria: Ambry Variant Classification Scheme 2023. Collection method: clinical testing. Allele origin: germline.

Blueprint Genetics
Classification: Uncertain significance. Last evaluated: 2020-11-30. Review status: criteria provided, single submitter. Criteria: ACMG Guidelines, 2015. Collection method: clinical testing. Allele origin: germline.

Labcorp Genetics (formerly Invitae), Labcorp
Classification: Uncertain significance. Last evaluated: 2020-05-20. Review status: criteria provided, single submitter. Criteria: Invitae Variant Classification Sherloc (09022015). Collection method: clinical testing. Allele origin: germline.
Comment: This variant is not present in population databases (ExAC no frequency). This sequence change replaces isoleucine with threonine at codon 870 of the SNRNP200 protein (p.Ile870Thr). The isoleucine residue is highly conserved and there is a moderate physicochemical difference between isoleucine and threonine. This variant has not been reported in the literature in individuals with SNRNP200-related conditions. In summary, the available evidence is currently insufficient to determine the role of this variant in disease. Therefore, it has been classified as a Variant of Uncertain Significance. Algorithms developed to predict the effect of missense changes on protein structure and function are either unavailable or do not agree on the potential impact of this missense change (SIFT: "Deleterious"; PolyPhen-2: "Possibly Damaging"; Align-GVGD: "Class C0").